The following is an entry in ClinVar:

NM_206965.2(FTCD):c.161C>T (p.Pro54Leu)

Gene: FTCD (formimidoyltransferase cyclodeaminase; minus strand). Cytogenetic location: 21q22.3.
Variant type: single nucleotide variant.
Coding change: c.161C>T on transcript NM_206965.2 (MANE Select); coding-DNA position 161, C replaced by T.
Protein change: p.Pro54Leu; replaces proline 54 with leucine.
Molecular consequence: missense variant.
Genome position (GRCh38, 1-based): chr21:46,154,226, G>A on the plus strand (C>T on the coding strand, the complement: FTCD is on the minus strand). VCF-style: chr21-46154226-G-A. GRCh37 (hg19) VCF-style: chr21-47574140-G-A.
Other names: c.161C>T (NM_006657.2); c.161C>T, p.Pro54Leu (NM_001320412.2, NM_006657.3); short protein forms P54L.
Identifiers: ClinVar variation 1000243 (VCV001000243.8), dbSNP rs374193438, ClinGen allele CA10074039.
Genomic context (GRCh38, chr21:46,154,226, plus strand): 5'-TCGATAAGTCGGGAAGCTACCCGGGCAGCGTTGAGGGCCCCCTCCACCACGCACTCCGGC[G>A]GCCCCACGAAGGTGTACACGGTGCGGTTGGTGGAAGGGCCTGCGTCCACATCCAGCAGCA-3'
Protein context (NP_996848.1, residues 44-64): TNRTVYTFVG[Pro54Leu]PECVVEGALN

ClinVar aggregate classification (germline): Uncertain significance. Review status: criteria provided, multiple submitters, no conflicts (2 of 4 stars). 2 submissions from 2 submitters: Uncertain significance (2). Last evaluated 2022-10-14.

Conditions:
Inborn genetic diseases. Identifiers: MedGen C0950123, MeSH D030342.
Glutamate formiminotransferase deficiency. Also called: Arakawa syndrome 1; Formiminoglutamic aciduria. Identifiers: Orphanet 51208, MedGen C0268609, MONDO:0009240, OMIM 229100.

Allele frequency attached by ClinVar (database versions not stated): TOPMed 0.00011; ESP Exome Variant Server 0.00015; gnomAD exomes 0.00015 and 0.00024; 1000 Genomes Project 30x 0.00016; gnomAD 0.00018 and 0.00021; 1000 Genomes Project 0.00020; ExAC 0.00022.

Submissions (2):

Labcorp Genetics (formerly Invitae), Labcorp
Classification: Uncertain significance for Glutamate formiminotransferase deficiency. Last evaluated: 2022-10-14. Review status: criteria provided, single submitter. Criteria: Invitae Variant Classification Sherloc (09022015). Collection method: clinical testing. Allele origin: germline.
Comment: In summary, the available evidence is currently insufficient to determine the role of this variant in disease. Therefore, it has been classified as a Variant of Uncertain Significance. Advanced modeling of protein sequence and biophysical properties (such as structural, functional, and spatial information, amino acid conservation, physicochemical variation, residue mobility, and thermodynamic stability) performed at Invitae indicates that this missense variant is not expected to disrupt FTCD protein function. ClinVar contains an entry for this variant (Variation ID: 1000243). This variant has not been reported in the literature in individuals affected with FTCD-related conditions. This variant is present in population databases (rs374193438, gnomAD 0.09%). This sequence change replaces proline, which is neutral and non-polar, with leucine, which is neutral and non-polar, at codon 54 of the FTCD protein (p.Pro54Leu).

Ambry Genetics
Classification: Uncertain significance for Inborn genetic diseases. Last evaluated: 2021-12-08. Review status: criteria provided, single submitter. Criteria: Ambry Variant Classification Scheme 2023. Collection method: clinical testing. Allele origin: germline.